The following is an entry in ClinVar:

NM_014491.4(FOXP2):c.21A>G (p.Thr7=)

Gene: FOXP2 (forkhead box P2; plus strand). Cytogenetic location: 7q31.1.
Variant type: single nucleotide variant.
Coding change: c.21A>G on transcript NM_014491.4 (MANE Select); coding-DNA position 21, A replaced by G.
Protein change: p.Thr7=; no amino-acid change (threonine 7 retained).
Molecular consequence: synonymous variant. On other transcripts: non-coding transcript variant (2).
Genome position (GRCh38, 1-based): chr7:114,426,532, A>G. VCF-style: chr7-114426532-A-G. GRCh37 (hg19) VCF-style: chr7-114066587-A-G.
Other names: c.21A>G, p.Thr7= (NM_001172766.3, NM_001172767.2, NM_148898.4 and 2 more transcripts); c.-1513A>G (NM_001172777.1).
Identifiers: ClinVar variation 1787578 (VCV001787578.3), dbSNP rs1207040670, ClinGen allele CA457292501.

ClinVar aggregate classification (germline): Likely benign. Review status: criteria provided, multiple submitters, no conflicts (2 of 4 stars). 2 submissions from 2 submitters: Likely benign (2). Last evaluated 2026-07-01.

Conditions:
Inborn genetic diseases. Identifiers: MedGen C0950123, MeSH D030342.

Allele frequency attached by ClinVar (database versions not stated): gnomAD 0.00001; TOPMed 0.00002.
gnomAD v4.1: 2 of 1,611,088 alleles (0.00012%); highest among the groups gnomAD compares: Admixed American, 0.0034%; no homozygotes.

Submissions (2):

CeGaT Center for Human Genetics Tuebingen
Classification: Likely benign. Last evaluated: 2026-07-01. Review status: criteria provided, single submitter. Criteria: CeGaT Center For Human Genetics Tuebingen Variant Classification Criteria Version 2. Collection method: clinical testing. Allele origin: germline. Affected: yes. Observed: 1 variant allele.
Comment: FOXP2: BP4

Ambry Genetics
Classification: Likely benign for Inborn genetic diseases. Last evaluated: 2019-04-04. Review status: criteria provided, single submitter. Criteria: Ambry Variant Classification Scheme 2023. Collection method: clinical testing. Allele origin: germline.